The following is an entry in ClinVar:

ClinVar aggregate classification (germline): Uncertain significance. Review status: criteria provided, multiple submitters, no conflicts (2 of 4 stars). 2 submissions from 2 submitters: Uncertain significance (2). Last evaluated 2022-09-27.

Conditions:
Inborn genetic diseases. Identifiers: MedGen C0950123, MeSH D030342.

Allele frequency attached by ClinVar (database versions not stated): gnomAD 0.00009 and 0.00006; TOPMed 0.00022; gnomAD exomes 0.00001.
gnomAD v4.1: 28 of 1,612,424 alleles (0.0017%); highest among the groups gnomAD compares: Admixed American, 0.023%; no homozygotes.

Submissions (2):

Ambry Genetics
Classification: Uncertain significance for Inborn genetic diseases. Last evaluated: 2022-09-27. Review status: criteria provided, single submitter. Criteria: Ambry Variant Classification Scheme 2023. Collection method: clinical testing. Allele origin: germline.

Labcorp Genetics (formerly Invitae), Labcorp
Classification: Uncertain significance. Last evaluated: 2022-09-24. Review status: criteria provided, single submitter. Criteria: Invitae Variant Classification Sherloc (09022015). Collection method: clinical testing. Allele origin: germline.
Comment: This sequence change replaces asparagine, which is neutral and polar, with serine, which is neutral and polar, at codon 136 of the SPINT2 protein (p.Asn136Ser). This variant is present in population databases (no rsID available, gnomAD 0.004%). This variant has not been reported in the literature in individuals affected with SPINT2-related conditions. ClinVar contains an entry for this variant (Variation ID: 1402486). Advanced modeling of protein sequence and biophysical properties (such as structural, functional, and spatial information, amino acid conservation, physicochemical variation, residue mobility, and thermodynamic stability) performed at Invitae indicates that this missense variant is not expected to disrupt SPINT2 protein function. In summary, the available evidence is currently insufficient to determine the role of this variant in disease. Therefore, it has been classified as a Variant of Uncertain Significance.

NM_021102.4(SPINT2):c.407A>G (p.Asn136Ser)

Gene: SPINT2 (serine peptidase inhibitor, Kunitz type 2; plus strand). Cytogenetic location: 19q13.2.
Variant type: single nucleotide variant.
Coding change: c.407A>G on transcript NM_021102.4 (MANE Select); coding-DNA position 407, A replaced by G.
Protein change: p.Asn136Ser; replaces asparagine 136 with serine.
Molecular consequence: missense variant.
Genome position (GRCh38, 1-based): chr19:38,290,134, A>G. VCF-style: chr19-38290134-A-G. GRCh37 (hg19) VCF-style: chr19-38780774-A-G.
Other names: c.236A>G, p.Asn79Ser (NM_001166103.2); c.407A>G (NM_021102.3); short protein forms N136S, N79S.
Identifiers: ClinVar variation 1402486 (VCV001402486.8), dbSNP rs911317656, ClinGen allele CA308082063.